The following is an entry in ClinVar:

NM_000465.4(BARD1):c.1233del (p.Ser412fs)

Gene: BARD1 (BRCA1 associated RING domain 1; minus strand). Cytogenetic location: 2q35.
Variant type: Deletion.
Coding change: c.1233del on transcript NM_000465.4 (MANE Select); coding-DNA position 1233, one base deleted (C; older notation c.1233delC).
Protein change: p.Ser412fs; shifts the reading frame from serine 412.
Molecular consequence: frameshift variant. On other transcripts: non-coding transcript variant (2), intron variant (3).
Genome position (GRCh38, 1-based): chr2:214,780,641, G deleted on the plus strand (C on the coding strand, the reverse complement: BARD1 is on the minus strand); the first of 3 consecutive G bases (chr2:214,780,641-214,780,643); deleting any one gives the same sequence. VCF-style (leftmost placement, unchanged base first): chr2-214780640-AG-A. GRCh37 (hg19) VCF-style: chr2-215645364-AG-A.
Other names: c.1176del, p.Ser393fs (NM_001282543.2); c.159-28086del (NM_001282548.2); c.215+16420del (NM_001282545.2); c.364+11656del (NM_001282549.2); short protein forms S393fs, S412fs.
Identifiers: ClinVar variation 3479731 (VCV003479731.1).

ClinVar aggregate classification (germline): Pathogenic (1 of 4 stars; one submission).

Conditions:
Hereditary cancer-predisposing syndrome. Also called: Tumor predisposition; Neoplastic Syndromes, Hereditary; Hereditary neoplastic syndrome; Hereditary Cancer Syndrome. Identifiers: Orphanet 140162, MedGen C0027672, MeSH D009386, MONDO:0015356.

Submission:

Ambry Genetics
Classification: Pathogenic for Hereditary cancer-predisposing syndrome. Last evaluated: 2024-10-29. Review status: criteria provided, single submitter. Criteria: Ambry Variant Classification Scheme 2023. Collection method: clinical testing. Allele origin: germline.
Comment: The c.1233delC pathogenic mutation, located in coding exon 4 of the BARD1 gene, results from a deletion of one nucleotide at nucleotide position 1233, causing a translational frameshift with a predicted alternate stop codon (p.S412Qfs*3). This variant is considered to be rare based on population cohorts in the Genome Aggregation Database (gnomAD). This alteration is expected to result in loss of function by premature protein truncation or nonsense-mediated mRNA decay. As such, this alteration is interpreted as a disease-causing mutation.